The following is an entry in ClinVar:

ClinVar aggregate classification (germline): Uncertain significance (1 of 4 stars; one submission).

Allele frequency attached by ClinVar (database versions not stated): gnomAD 0.00001; TOPMed 0.00001; ESP Exome Variant Server 0.00008.
gnomAD v4.1: 11 of 1,614,086 alleles (0.00068%); highest among the groups gnomAD compares: South Asian, 0.0011%; no homozygotes.

Submission:

Labcorp Genetics (formerly Invitae), Labcorp
Classification: Uncertain significance. Last evaluated: 2022-06-29. Review status: criteria provided, single submitter. Criteria: Invitae Variant Classification Sherloc (09022015). Collection method: clinical testing. Allele origin: germline.
Comment: This variant has not been reported in the literature in individuals affected with TAB2-related conditions. This variant is present in population databases (rs368926001, gnomAD 0.002%). This sequence change replaces proline, which is neutral and non-polar, with leucine, which is neutral and non-polar, at codon 134 of the TAB2 protein (p.Pro134Leu). Algorithms developed to predict the effect of missense changes on protein structure and function are either unavailable or do not agree on the potential impact of this missense change (SIFT: "Tolerated"; PolyPhen-2: "Possibly Damaging"; Align-GVGD: "Class C0"). In summary, the available evidence is currently insufficient to determine the role of this variant in disease. Therefore, it has been classified as a Variant of Uncertain Significance.

NM_001292034.3(TAB2):c.401C>T (p.Pro134Leu)

Gene: TAB2 (TGF-beta activated kinase 1 (MAP3K7) binding protein 2; plus strand). Cytogenetic location: 6q25.1.
Variant type: single nucleotide variant.
Coding change: c.401C>T on transcript NM_001292034.3 (MANE Select); coding-DNA position 401, C replaced by T.
Protein change: p.Pro134Leu; replaces proline 134 with leucine.
Molecular consequence: missense variant.
Genome position (GRCh38, 1-based): chr6:149,378,316, C>T. VCF-style: chr6-149378316-C-T. GRCh37 (hg19) VCF-style: chr6-149699452-C-T.
Other names: c.305C>T, p.Pro102Leu (NM_001292035.3); c.401C>T, p.Pro134Leu (NM_001369506.1, NM_015093.6); short protein forms P102L, P134L.
Identifiers: ClinVar variation 1949294 (VCV001949294.5), dbSNP rs368926001, ClinGen allele CA4041398.